The following is an entry in ClinVar:

NM_000038.6(APC):c.4481A>C (p.Glu1494Ala)

Gene: APC (APC regulator of Wnt signaling pathway; plus strand). Cytogenetic location: 5q22.2.
Variant type: single nucleotide variant.
Coding change: c.4481A>C on transcript NM_000038.6 (MANE Select); coding-DNA position 4481, A replaced by C.
Protein change: p.Glu1494Ala; replaces glutamic acid 1494 with alanine.
Molecular consequence: missense variant. On other transcripts: non-coding transcript variant (2).
Genome position (GRCh38, 1-based): chr5:112,840,075, A>C. VCF-style: chr5-112840075-A-C. GRCh37 (hg19) VCF-style: chr5-112175772-A-C.
Other names: c.4481A>C, p.Glu1494Ala (NM_001127510.3, NM_001354895.2, NM_001407450.1); c.4427A>C, p.Glu1476Ala (NM_001127511.3); c.4535A>C, p.Glu1512Ala (NM_001354896.2, NM_001407447.1, NM_001407448.1 and 1 more transcripts); c.4511A>C, p.Glu1504Ala (NM_001354897.2); c.4406A>C, p.Glu1469Ala (NM_001354898.2); c.4397A>C, p.Glu1466Ala (NM_001354899.2); c.4358A>C, p.Glu1453Ala (NM_001354900.2); c.4304A>C, p.Glu1435Ala (NM_001354901.2, NM_001407453.1); and 11 more; short protein forms E1365A, E1368A, E1403A, E1466A, E1476A, E1487A, E1522A, E1110A.
Identifiers: ClinVar variation 2847401 (VCV002847401.3), dbSNP rs2149915821, ClinGen allele CA16031139.

ClinVar aggregate classification (germline): Uncertain significance (1 of 4 stars; one submission).

Conditions:
Familial adenomatous polyposis 1 (FAP1). Also called: FAMILIAL ADENOMATOUS POLYPOSIS 1, ATTENUATED; POLYPOSIS, ADENOMATOUS INTESTINAL. Identifiers: MedGen C2713442, MONDO:0021056, OMIM 175100. Disease mechanism: loss of function.

gnomAD v4.1: 1 of 1,614,128 alleles (0.000062%); highest among the groups gnomAD compares: South Asian, 0.0011%; no homozygotes.

Submission:

Labcorp Genetics (formerly Invitae), Labcorp
Classification: Uncertain significance for Familial adenomatous polyposis 1. Last evaluated: 2023-04-25. Review status: criteria provided, single submitter. Criteria: Invitae Variant Classification Sherloc (09022015). Collection method: clinical testing. Allele origin: germline.
Comment: This sequence change replaces glutamic acid, which is acidic and polar, with alanine, which is neutral and non-polar, at codon 1494 of the APC protein (p.Glu1494Ala). This variant is not present in population databases (gnomAD no frequency). This variant has not been reported in the literature in individuals affected with APC-related conditions. Advanced modeling of protein sequence and biophysical properties (such as structural, functional, and spatial information, amino acid conservation, physicochemical variation, residue mobility, and thermodynamic stability) performed at Invitae indicates that this missense variant is not expected to disrupt APC protein function. In summary, the available evidence is currently insufficient to determine the role of this variant in disease. Therefore, it has been classified as a Variant of Uncertain Significance.